The following is an entry in ClinVar:

NM_007294.4(BRCA1):c.3821dup (p.Ile1275fs)

Genes: BRCA1 (BRCA1 DNA repair associated; minus strand), LOC126862571 (BRD4-independent group 4 enhancer GRCh37_chr17:41243136-41244335; plus strand). Cytogenetic location: 17q21.31.
Variant type: Duplication.
Coding change: c.3821dup on transcript NM_007294.4 (MANE Select); coding-DNA position 3821, one base duplicated (T; older notation c.3821dupT).
Protein change: p.Ile1275fs; shifts the reading frame from isoleucine 1275.
Molecular consequence: frameshift variant. On other transcripts: intron variant (135).
Genome position (GRCh38, 1-based): chr17:43,091,710, A duplicated on the plus strand (T on the coding strand, the reverse complement: BRCA1 is on the minus strand). VCF-style (leftmost placement, unchanged base first): chr17-43091709-T-TA. GRCh37 (hg19) VCF-style: chr17-41243726-T-TA.
Other names: 3941insT; c.3608dup, p.Ile1204fs (NM_001407571.1, NM_001407853.1, NM_001407894.1 and 9 more transcripts); c.3821dup, p.Ile1275fs (NM_001407581.1, NM_001407582.1, NM_001407583.1 and 30 more transcripts); c.3818dup, p.Ile1274fs (NM_001407587.1, NM_001407590.1, NM_001407591.1 and 22 more transcripts); c.3812dup, p.Ile1272fs (NM_001407646.1, NM_001407647.1); c.3698dup, p.Ile1234fs (NM_001407648.1, NM_001407664.1, NM_001407665.1 and 19 more transcripts); c.3695dup, p.Ile1233fs (NM_001407649.1, NM_001407670.1, NM_001407671.1 and 11 more transcripts); c.3743dup, p.Ile1249fs (NM_001407653.1, NM_001407654.1, NM_001407655.1 and 4 more transcripts); and 42 more; short protein forms I1228fs, I1275fs, I1164fs, I1186fs, I1207fs, I1234fs, I979fs, I1148fs.
Identifiers: ClinVar variation 266407 (VCV000266407.6), dbSNP rs886040167, ClinGen allele CA10589722.

ClinVar aggregate classification (germline): Pathogenic. Review status: reviewed by expert panel (3 of 4 stars). 2 submissions from 2 submitters: Pathogenic (1). 1 of the submissions does not count toward it. Last evaluated 2016-10-18.

Conditions:
Breast-ovarian cancer, familial, susceptibility to, 1 (BROVCA1). Also called: BRCA1 Hereditary Breast and Ovarian Cancer; OVARIAN CANCER, SUSCEPTIBILITY TO. Identifiers: Orphanet 145, MedGen C2676676, MONDO:0011450, OMIM 604370. Disease mechanism: loss of function.

Submissions (2):

Evidence-based Network for the Interpretation of Germline Mutant Alleles (ENIGMA)
Classification: Pathogenic for Breast-ovarian cancer, familial, susceptibility to, 1. Last evaluated: 2016-10-18. Review status: reviewed by expert panel. Criteria: ENIGMA BRCA1/2 Classification Criteria (2015). Collection method: curation. Allele origin: germline.
Comment: Variant allele predicted to encode a truncated non-functional protein.

Consortium of Investigators of Modifiers of BRCA1/2 (CIMBA), c/o University of Cambridge
Classification: Pathogenic for Breast-ovarian cancer, familial, susceptibility to, 1. Last evaluated: 2015-10-02. Review status: criteria provided, single submitter. Criteria: CIMBA Mutation Classification guidelines May 2016. Collection method: clinical testing. Allele origin: germline. Not counted in ClinVar's aggregate classification.